The following is an entry in ClinVar:

NC_000023.10:g.(32509636_32519871)_(32717411_32827609)del

Gene: DMD (dystrophin; minus strand). Cytogenetic location: Xp21.1.
Variant type: Deletion.
Identifiers: ClinVar variation 1192268 (VCV001192268.1).

ClinVar aggregate classification (germline): Pathogenic (1 of 4 stars; one submission).

Conditions:
Neuromuscular disease caused by qualitative or quantitative defects of dystrophin. Also called: Qualitative or quantitative defects of dystrophin. Identifiers: Orphanet 207085, MedGen C5679787, MONDO:0016147.

Submission:

Women's Health and Genetics/Laboratory Corporation of America, LabCorp
Classification: Pathogenic for Neuromuscular disease caused by qualitative or quantitative defects of dystrophin. Last evaluated: 2021-07-19. Review status: criteria provided, single submitter. Criteria: LabCorp Variant Classification Summary - May 2015. Collection method: clinical testing. Allele origin: germline.
Comment: Variant summary: The variant identified by MLPA or other technology involves the deletion of exons 8-19 in the DMD gene. A presumed nomenclature of c.(649+1_650-1)_(2380+1_2381-1)del has been designated for the purposes of this classification. Although exact breakpoints of this deletion are not known, it is expected to result in a large in-frame deletion change in the DMD gene, a known mechanism of disease. The variant was absent in 16120 control chromosomes (gnomAD, Structural Variants dataset). Deletion of exons 8-19 has been reported in the literature in individuals affected with Dystrophinopathies (e.g. Flanigan_2009, Guo_2015, Zamani_2015, Ling_2020). These data indicate that the variant is likely to be associated with disease. No clinical diagnostic laboratories have submitted clinical-significance assessments for this variant to ClinVar after 2014. Based on the evidence outlined above, the variant was classified as pathogenic.

Literature cited by the submitters: PubMed 19937601; PubMed 31705731; PubMed 26081009; PubMed 25972034.